The following is an entry in ClinVar:

ClinVar aggregate classification (germline): Uncertain significance (1 of 4 stars; one submission).

Submission:

GeneDx
Classification: Uncertain significance. Last evaluated: 2025-06-25. Review status: criteria provided, single submitter. Criteria: GeneDx Variant Classification Process June 2021. Collection method: clinical testing. Allele origin: germline. Affected: yes.
Comment: In-frame duplication of 3 amino acid(s) in a non-repeat region; Not observed at significant frequency in large population cohorts (gnomAD); Has not been previously published as pathogenic or benign to our knowledge

NM_016148.5(SHANK1):c.3933_3941dup (p.Gly1314_Ala1315insGlyTyrGly)

Gene: SHANK1 (SH3 and multiple ankyrin repeat domains 1; minus strand). Cytogenetic location: 19q13.33.
Variant type: Duplication.
Coding change: c.3933_3941dup on transcript NM_016148.5 (MANE Select); coding-DNA positions 3933 to 3941, 9 bases duplicated (CGGCTACGG; older notation c.3933_3941dupCGGCTACGG).
Protein change: p.Gly1314_Ala1315insGlyTyrGly.
Genome position (GRCh38, 1-based): chr19:50,668,019-50,668,027, CCGTAGCCG duplicated on the plus strand (CGGCTACGG on the coding strand, the reverse complement: SHANK1 is on the minus strand); duplicating any 9 consecutive bases within chr19:50,668,019-50,668,035 gives the same sequence; the c. name uses the placement nearest the transcript's 3' end. VCF-style (leftmost placement, unchanged base first): chr19-50668018-C-CCCGTAGCCG. GRCh37 (hg19) VCF-style: chr19-51171275-C-CCCGTAGCCG.
Identifiers: ClinVar variation 4539852 (VCV004539852.1).